The following is an entry in ClinVar:

NM_015559.3(SETBP1):c.1852C>G (p.Pro618Ala)

Gene: SETBP1 (SET binding protein 1; plus strand). Cytogenetic location: 18q12.3.
Variant type: single nucleotide variant.
Coding change: c.1852C>G on transcript NM_015559.3 (MANE Select); coding-DNA position 1852, C replaced by G.
Protein change: p.Pro618Ala; replaces proline 618 with alanine.
Molecular consequence: missense variant.
Genome position (GRCh38, 1-based): chr18:44,951,192, C>G. VCF-style: chr18-44951192-C-G. GRCh37 (hg19) VCF-style: chr18-42531157-C-G.
Other names: c.1852C>G, p.Pro618Ala (NM_001379141.1, NM_001379142.1); short protein forms P618A.
Identifiers: ClinVar variation 1698356 (VCV001698356.7), dbSNP rs1374955137, ClinGen allele CA402319693.
Genomic context (GRCh38, chr18:44,951,192, plus strand): 5'-GTCGAGACGATTCATGAGGGAACTTCCACCAGCCCCGTCAGTCCCATCAGCCGAGAGTTT[C>G]CTGGCACTAAGAAAAGAAAGCGACGACGCAATTTAGCGAAGTTGGCCCAGCTAGTGCCGG-3'
Protein context (NP_056374.2, residues 608-628): SPVSPISREF[Pro618Ala]GTKKRKRRRN

ClinVar aggregate classification (germline): Uncertain significance. Review status: criteria provided, multiple submitters, no conflicts (2 of 4 stars). 2 submissions from 2 submitters: Uncertain significance (2). Last evaluated 2024-02-24.

Submissions (2):

Labcorp Genetics (formerly Invitae), Labcorp
Classification: Uncertain significance. Last evaluated: 2024-02-24. Review status: criteria provided, single submitter. Criteria: Invitae Variant Classification Sherloc (09022015). Collection method: clinical testing. Allele origin: germline.
Comment: This sequence change replaces proline, which is neutral and non-polar, with alanine, which is neutral and non-polar, at codon 618 of the SETBP1 protein (p.Pro618Ala). This variant is not present in population databases (gnomAD no frequency). This variant has not been reported in the literature in individuals affected with SETBP1-related conditions. ClinVar contains an entry for this variant (Variation ID: 1698356). Advanced modeling of protein sequence and biophysical properties (such as structural, functional, and spatial information, amino acid conservation, physicochemical variation, residue mobility, and thermodynamic stability) has been performed at Invitae for this missense variant, however the output from this modeling did not meet the statistical confidence thresholds required to predict the impact of this variant on SETBP1 protein function. In summary, the available evidence is currently insufficient to determine the role of this variant in disease. Therefore, it has been classified as a Variant of Uncertain Significance.

GeneDx
Classification: Uncertain significance. Last evaluated: 2022-01-20. Review status: criteria provided, single submitter. Criteria: GeneDx Variant Classification Process June 2021. Collection method: clinical testing. Allele origin: germline. Affected: yes.
Comment: Not observed at significant frequency in large population cohorts (gnomAD); In silico analysis supports that this missense variant does not alter protein structure/function; Has not been previously published as pathogenic or benign to our knowledge